The following is an entry in ClinVar:

NM_004715.5(CTDP1):c.1860G>A (p.Pro620=)

Gene: CTDP1 (CTD phosphatase 1; plus strand). Cytogenetic location: 18q23.
Variant type: single nucleotide variant.
Coding change: c.1860G>A on transcript NM_004715.5 (MANE Select); coding-DNA position 1860, G replaced by A.
Protein change: p.Pro620=; no amino-acid change (proline 620 retained).
Molecular consequence: synonymous variant.
Genome position (GRCh38, 1-based): chr18:79,715,320, G>A. VCF-style: chr18-79715320-G-A. GRCh37 (hg19) VCF-style: chr18-77475320-G-A.
Other names: c.1503G>A, p.Pro501= (NM_001202504.1); c.1860G>A, p.Pro620= (NM_001318511.2, NM_048368.4).
Identifiers: ClinVar variation 2648832 (VCV002648832.24), dbSNP rs763374239, ClinGen allele CA9010400.

ClinVar aggregate classification (germline): Likely benign (1 of 4 stars; one submission).

Allele frequency attached by ClinVar (database versions not stated): ExAC 0.00001; gnomAD 0.00001; gnomAD exomes 0.00001; TOPMed 0.00001.
gnomAD v4.1: 20 of 1,609,022 alleles (0.0012%); highest among the groups gnomAD compares: South Asian, 0.0022%; no homozygotes.

Submission:

CeGaT Center for Human Genetics Tuebingen
Classification: Likely benign. Last evaluated: 2022-09-01. Review status: criteria provided, single submitter. Criteria: CeGaT Center For Human Genetics Tuebingen Variant Classification Criteria Version 2. Collection method: clinical testing. Allele origin: germline. Affected: yes. Observed: 1 variant allele.
Comment: CTDP1: BP4, BP7